The following is an entry in ClinVar:

NM_003982.4(SLC7A7):c.16G>A (p.Glu6Lys)

Genes: SLC7A7 (solute carrier family 7 member 7; minus strand), LOC130055324 (ATAC-STARR-seq lymphoblastoid silent region 5590; plus strand). Cytogenetic location: 14q11.2.
Variant type: single nucleotide variant.
Coding change: c.16G>A on transcript NM_003982.4 (MANE Select); coding-DNA position 16, G replaced by A.
Protein change: p.Glu6Lys; replaces glutamic acid 6 with lysine.
Molecular consequence: missense variant.
Genome position (GRCh38, 1-based): chr14:22,813,383, C>T on the plus strand (G>A on the coding strand, the complement: SLC7A7 is on the minus strand). VCF-style: chr14-22813383-C-T. GRCh37 (hg19) VCF-style: chr14-23282592-C-T.
Other names: c.16G>A, p.Glu6Lys (NM_001126105.3, NM_001126106.4); short protein forms E6K.
Identifiers: ClinVar variation 1500585 (VCV001500585.7), dbSNP rs2039354125, ClinGen allele CA388923758.

ClinVar aggregate classification (germline): Uncertain significance (1 of 4 stars; one submission).

Conditions:
Lysinuric protein intolerance (LPI). Identifiers: Orphanet 470, MedGen C0268647, MONDO:0009109, OMIM 222700.

Submission:

Labcorp Genetics (formerly Invitae), Labcorp
Classification: Uncertain significance for Lysinuric protein intolerance. Last evaluated: 2024-10-16. Review status: criteria provided, single submitter. Criteria: Invitae Variant Classification Sherloc (09022015). Collection method: clinical testing. Allele origin: germline.
Comment: This sequence change replaces glutamic acid, which is acidic and polar, with lysine, which is basic and polar, at codon 6 of the SLC7A7 protein (p.Glu6Lys). This variant is not present in population databases (gnomAD no frequency). This variant has not been reported in the literature in individuals affected with SLC7A7-related conditions. ClinVar contains an entry for this variant (Variation ID: 1500585). An algorithm developed to predict the effect of missense changes on protein structure and function outputs the following: PolyPhen-2: "Benign". The lysine amino acid residue is found in multiple mammalian species, which suggests that this missense change does not adversely affect protein function. In summary, the available evidence is currently insufficient to determine the role of this variant in disease. Therefore, it has been classified as a Variant of Uncertain Significance.